The following is an entry in ClinVar:

ClinVar aggregate classification (germline): Uncertain significance (1 of 4 stars; one submission).

Conditions:
Hereditary cancer-predisposing syndrome. Also called: Hereditary neoplastic syndrome; Neoplastic Syndromes, Hereditary; Tumor predisposition; Hereditary Cancer Syndrome. Identifiers: Orphanet 140162, MedGen C0027672, MeSH D009386, MONDO:0015356.

Submission:

Ambry Genetics
Classification: Uncertain significance for Hereditary cancer-predisposing syndrome. Last evaluated: 2025-08-27. Review status: criteria provided, single submitter. Criteria: Ambry Variant Classification Scheme 2023. Collection method: clinical testing. Allele origin: germline.
Comment: The p.S543T variant (also known as c.1628G>C), located in coding exon 16 of the MUTYH gene, results from a G to C substitution at nucleotide position 1628. The serine at codon 543 is replaced by threonine, an amino acid with similar properties. This amino acid position is conserved. In addition, this alteration is predicted to be tolerated by in silico analysis. Based on the available evidence, the clinical significance of this variant remains unclear.

NM_001048174.2(MUTYH):c.1544G>C (p.Ser515Thr)

Gene: MUTYH (mutY DNA glycosylase; minus strand). Cytogenetic location: 1p34.1.
Variant type: single nucleotide variant.
Coding change: c.1544G>C on transcript NM_001048174.2 (MANE Select); coding-DNA position 1544, G replaced by C.
Protein change: p.Ser515Thr; replaces serine 515 with threonine.
Molecular consequence: missense variant. On other transcripts: non-coding transcript variant (7).
Genome position (GRCh38, 1-based): chr1:45,329,328, C>G on the plus strand (G>C on the coding strand, the complement: MUTYH is on the minus strand). VCF-style: chr1-45329328-C-G. GRCh37 (hg19) VCF-style: chr1-45795000-C-G.
Other names: c.1547G>C, p.Ser516Thr (NM_001407071.1, NM_001407078.1, NM_001407086.1 and 1 more transcripts); c.1544G>C, p.Ser515Thr (NM_001407072.1, NM_001407073.1, NM_001407081.1 and 6 more transcripts); c.1460G>C, p.Ser487Thr (NM_001407075.1); c.1577G>C, p.Ser526Thr (NM_001407077.1, NM_001293191.2, NM_001407069.1); c.1505G>C, p.Ser502Thr (NM_001407079.1); c.1502G>C, p.Ser501Thr (NM_001407080.1); c.1199G>C, p.Ser400Thr (NM_001407082.1, NM_001350650.2, NM_001350651.2); c.1586G>C, p.Ser529Thr (NM_001407083.1, NM_001407085.1); and 5 more; short protein forms S515T, S526T, S529T, S540T, S516T, S522T, S543T, S423T.
Identifiers: ClinVar variation 4113463 (VCV004113463.1).